The following is an entry in ClinVar:

ClinVar aggregate classification (germline): Uncertain significance (1 of 4 stars; one submission).

Conditions:
Legius syndrome. Identifiers: Orphanet 137605, MedGen C1969623, MONDO:0012669, OMIM 611431. Disease mechanism: loss of function.

Submission:

Labcorp Genetics (formerly Invitae), Labcorp
Classification: Uncertain significance for Legius syndrome. Last evaluated: 2020-01-26. Review status: criteria provided, single submitter. Criteria: Invitae Variant Classification Sherloc (09022015). Collection method: clinical testing. Allele origin: germline.
Comment: This variant is not present in population databases (ExAC no frequency). This variant, c.121_123del, results in the deletion of 1 amino acid(s) of the SPRED1 protein (p.Ser41del), but otherwise preserves the integrity of the reading frame. This variant has not been reported in the literature in individuals with SPRED1-related conditions. In summary, the available evidence is currently insufficient to determine the role of this variant in disease. Therefore, it has been classified as a Variant of Uncertain Significance. Experimental studies and prediction algorithms are not available or were not evaluated, and the functional significance of this variant is currently unknown.

NM_152594.3(SPRED1):c.118AGC[1] (p.Ser41del)

Gene: SPRED1 (sprouty related EVH1 domain containing 1; plus strand). Cytogenetic location: 15q14.
Variant type: Microsatellite.
Coding change: c.118AGC[1] on transcript NM_152594.3 (MANE Select); one copy of the 3-base unit AGC starting at c.118; the reference has two copies in a row; one copy, 3 bases deleted.
Protein change: p.Ser41del; deletes serine 41.
Molecular consequence: inframe deletion.
Genome position (GRCh38, 1-based): chr15:38,299,461-38,299,463, AGC deleted; deleting any 3 consecutive bases within chr15:38,299,458-38,299,463 gives the same sequence; the position shown is the placement nearest the transcript's 3' end. VCF-style (leftmost placement, unchanged base first): chr15-38299457-AAGC-A. GRCh37 (hg19) VCF-style: chr15-38591658-AAGC-A.
Other names: short protein forms S41del.
Identifiers: ClinVar variation 958036 (VCV000958036.10), dbSNP rs1895108139, ClinGen allele CA2170788997.